The following is an entry in ClinVar:

ClinVar aggregate classification (germline): Pathogenic (1 of 4 stars; one submission).

Conditions:
Multiple congenital exostosis (EXT). Also called: MULTIPLE CARTILAGINOUS EXOSTOSES; Hereditary multiple osteochondromas; Hereditary multiple exostoses; Hereditary multiple exostosis; Multiple osteochondromas; Multiple exostoses. Identifiers: Orphanet 321, MedGen C0015306, MONDO:0005508, HP:0002762.

Submission:

Labcorp Genetics (formerly Invitae), Labcorp
Classification: Pathogenic for Multiple congenital exostosis. Last evaluated: 2024-05-05. Review status: criteria provided, single submitter. Criteria: Invitae Variant Classification Sherloc (09022015). Collection method: clinical testing. Allele origin: germline.
Comment: This sequence change creates a premature translational stop signal (p.Leu264Alafs*25) in the EXT1 gene. It is expected to result in an absent or disrupted protein product. Loss-of-function variants in EXT1 are known to be pathogenic (PMID: 10679937, 11391482, 19810120). This variant is not present in population databases (gnomAD no frequency). This variant has not been reported in the literature in individuals affected with EXT1-related conditions. For these reasons, this variant has been classified as Pathogenic.

Literature cited by the submitters: PubMed 10679937; PubMed 11391482; PubMed 19810120.

NM_000127.3(EXT1):c.789dup (p.Leu264fs)

Gene: EXT1 (exostosin glycosyltransferase 1; minus strand). Cytogenetic location: 8q24.11.
Variant type: Duplication.
Coding change: c.789dup on transcript NM_000127.3 (MANE Select); coding-DNA position 789, one base duplicated (G; older notation c.789dupG).
Protein change: p.Leu264fs; shifts the reading frame from leucine 264.
Molecular consequence: frameshift variant.
Genome position (GRCh38, 1-based): chr8:118,110,258, C duplicated on the plus strand (G on the coding strand, the reverse complement: EXT1 is on the minus strand). VCF-style (leftmost placement, unchanged base first): chr8-118110257-G-GC. GRCh37 (hg19) VCF-style: chr8-119122496-G-GC.
Other names: short protein forms L264fs.
Identifiers: ClinVar variation 3652206 (VCV003652206.2).